The following is an entry in ClinVar:

NM_001127671.2(LIFR):c.1438-3T>G

Gene: LIFR (LIF receptor subunit alpha; minus strand). Cytogenetic location: 5p13.1.
Variant type: single nucleotide variant.
Coding change: c.1438-3T>G on transcript NM_001127671.2 (MANE Select); 3 bases into the intron before coding-DNA position 1438, T replaced by G.
Molecular consequence: intron variant.
Genome position (GRCh38, 1-based): chr5:38,502,802, A>C on the plus strand (T>G on the coding strand, the complement: LIFR is on the minus strand). VCF-style: chr5-38502802-A-C. GRCh37 (hg19) VCF-style: chr5-38502904-A-C.
Other names: c.1438-3T>G (NM_002310.6, NM_001364298.2, NM_001364297.2).
Identifiers: ClinVar variation 1963399 (VCV001963399.3), dbSNP rs1263778658, ClinGen allele CA810414224.

ClinVar aggregate classification (germline): Uncertain significance. Review status: criteria provided, multiple submitters, no conflicts (2 of 4 stars). 2 submissions from 2 submitters: Uncertain significance (2). Last evaluated 2026-03-05.

Conditions:
Stüve-Wiedemann syndrome 1. Also called: STUVE-WIEDEMANN/SCHWARTZ-JAMPEL TYPE 2 SYNDROME. Identifiers: Orphanet 3206, MedGen C5676888, MONDO:0800043, OMIM 601559.

Submissions (2):

Mendelics
Classification: Uncertain significance for Stüve-Wiedemann syndrome 1. Last evaluated: 2026-03-05. Review status: criteria provided, single submitter. Criteria: ACMG Guidelines, 2015. Collection method: clinical testing. Allele origin: unknown.
Comment: The available evidence is insufficient to conclusively determine the role of this variant. Therefore, it is classified as a Variant of Uncertain Significance.

Labcorp Genetics (formerly Invitae), Labcorp
Classification: Uncertain significance. Last evaluated: 2022-05-10. Review status: criteria provided, single submitter. Criteria: Invitae Variant Classification Sherloc (09022015). Collection method: clinical testing. Allele origin: germline.
Comment: This sequence change falls in intron 10 of the LIFR gene. It does not directly change the encoded amino acid sequence of the LIFR protein. It affects a nucleotide within the consensus splice site. This variant is not present in population databases (gnomAD no frequency). This variant has not been reported in the literature in individuals affected with LIFR-related conditions. Variants that disrupt the consensus splice site are a relatively common cause of aberrant splicing (PMID: 17576681, 9536098). Algorithms developed to predict the effect of sequence changes on RNA splicing suggest that this variant may disrupt the consensus splice site. In summary, the available evidence is currently insufficient to determine the role of this variant in disease. Therefore, it has been classified as a Variant of Uncertain Significance.

Literature cited by the submitters: PubMed 17576681 (cited by Labcorp Genetics (formerly Invitae), Labcorp); PubMed 9536098 (cited by Labcorp Genetics (formerly Invitae), Labcorp).